The following is an entry in ClinVar:

ClinVar aggregate classification (germline): Uncertain significance (1 of 4 stars; one submission).

Submission:

GeneDx
Classification: Uncertain significance. Last evaluated: 2019-11-07. Review status: criteria provided, single submitter. Criteria: GeneDx Variant Classification Process June 2021. Collection method: clinical testing. Allele origin: germline. Affected: yes.
Comment: Not observed in large population cohorts (Lek et al., 2016); In-frame deletion of 1 amino acid in a non-repeat region; In silico analysis, which includes protein predictors and evolutionary conservation, supports a deleterious effect; Has not been previously published as pathogenic or benign to our knowledge

NM_022893.4(BCL11A):c.2401_2403del (p.Lys801del)

Gene: BCL11A (BCL11 transcription factor A; minus strand). Cytogenetic location: 2p16.1.
Variant type: Deletion.
Coding change: c.2401_2403del on transcript NM_022893.4 (MANE Select); coding-DNA positions 2401 to 2403, 3 bases deleted (AAA; older notation c.2401_2403delAAA).
Protein change: p.Lys801del; deletes lysine 801.
Molecular consequence: inframe deletion. On other transcripts: intron variant (3).
Genome position (GRCh38, 1-based): chr2:60,460,509-60,460,511, TTT deleted on the plus strand (AAA on the coding strand, the reverse complement: BCL11A is on the minus strand). VCF-style (leftmost placement, unchanged base first): chr2-60460508-ATTT-A. GRCh37 (hg19) VCF-style: chr2-60687643-ATTT-A.
Other names: c.2299_2301del, p.Lys767del (NM_001365609.1); c.630+1771_630+1773del (NM_138559.2); c.2230+171_2230+173del (NM_018014.4); c.2280+19_2280+21del (NM_001363864.1); short protein forms K767del, K801del.
Identifiers: ClinVar variation 1310190 (VCV001310190.2), dbSNP rs2103821232, ClinGen allele CA2573051997.